The following is an entry in ClinVar:

NM_001378452.1(ITPR1):c.3962T>A (p.Phe1321Tyr)

Gene: ITPR1 (inositol 1,4,5-trisphosphate receptor type 1; plus strand). Cytogenetic location: 3p26.1.
Variant type: single nucleotide variant.
Coding change: c.3962T>A on transcript NM_001378452.1 (MANE Select); coding-DNA position 3962, T replaced by A.
Protein change: p.Phe1321Tyr; replaces phenylalanine 1321 with tyrosine.
Molecular consequence: missense variant.
Genome position (GRCh38, 1-based): chr3:4,691,277, T>A. VCF-style: chr3-4691277-T-A. GRCh37 (hg19) VCF-style: chr3-4732961-T-A.
Other names: c.3935T>A, p.Phe1312Tyr (NM_001099952.4); c.3917T>A, p.Phe1306Tyr (NM_001168272.2); c.3890T>A, p.Phe1297Tyr (NM_002222.7); short protein forms F1297Y, F1306Y, F1312Y, F1321Y.
Identifiers: ClinVar variation 3371159 (VCV003371159.1).

ClinVar aggregate classification (germline): Uncertain significance (1 of 4 stars; one submission).

Submission:

GeneDx
Classification: Uncertain significance. Last evaluated: 2024-03-18. Review status: criteria provided, single submitter. Criteria: GeneDx Variant Classification Process June 2021. Collection method: clinical testing. Allele origin: germline. Affected: yes.
Comment: Not observed at significant frequency in large population cohorts (gnomAD); In silico analysis supports that this missense variant has a deleterious effect on protein structure/function; In silico analysis suggests this variant may impact gene splicing. In the absence of RNA/functional studies, the actual effect of this sequence change is unknown.; Has not been previously published as pathogenic or benign to our knowledge